The following is an entry in ClinVar:

NM_001267550.2(TTN):c.95302G>A (p.Val31768Ile)

Genes: TTN (titin; minus strand), TTN-AS1 (TTN antisense RNA 1; plus strand). Cytogenetic location: 2q31.2.
Variant type: single nucleotide variant.
Coding change: c.95302G>A on transcript NM_001267550.2 (MANE Select); coding-DNA position 95302, G replaced by A.
Protein change: p.Val31768Ile; replaces valine 31768 with isoleucine.
Molecular consequence: missense variant.
Genome position (GRCh38, 1-based): chr2:178,545,934, C>T on the plus strand (G>A on the coding strand, the complement: TTN is on the minus strand). VCF-style: chr2-178545934-C-T. GRCh37 (hg19) VCF-style: chr2-179410661-C-T.
Other names: c.90379G>A, p.Val30127Ile (NM_001256850.1); c.68107G>A, p.Val22703Ile (NM_003319.4); c.87598G>A, p.Val29200Ile (NM_133378.4); c.68482G>A, p.Val22828Ile (NM_133432.3); c.68683G>A, p.Val22895Ile (NM_133437.4); short protein forms V22703I, V22895I, V31768I, V22828I, V29200I, V30127I.
Identifiers: ClinVar variation 2939850 (VCV002939850.4), dbSNP rs1696890603, ClinGen allele CA349463114.

ClinVar aggregate classification (germline): Uncertain significance. Review status: criteria provided, multiple submitters, no conflicts (2 of 4 stars). 2 submissions from 2 submitters: Uncertain significance (2). Last evaluated 2024-04-08.

Conditions:
Dilated cardiomyopathy 1G (CMD1G). Identifiers: Orphanet 154, MedGen C1858763, MONDO:0011400, OMIM 604145.
Autosomal recessive limb-girdle muscular dystrophy type 2J (LGMDR10). Also called: Limb-girdle muscular dystrophy, type 2J; MUSCULAR DYSTROPHY, LIMB-GIRDLE, AUTOSOMAL RECESSIVE 10. Identifiers: Orphanet 140922, MedGen C1837342, MONDO:0012127, OMIM 608807.

Submissions (2):

GeneDx
Classification: Uncertain significance. Last evaluated: 2024-04-08. Review status: criteria provided, single submitter. Criteria: GeneDx Variant Classification Process June 2021. Collection method: clinical testing. Allele origin: germline. Affected: yes.
Comment: Not observed at significant frequency in large population cohorts (gnomAD); In silico analysis indicates that this missense variant does not alter protein structure/function; Has not been previously published as pathogenic or benign to our knowledge; This variant is associated with the following publications: (PMID: 24636144)

Labcorp Genetics (formerly Invitae), Labcorp
Classification: Uncertain significance for Dilated cardiomyopathy 1G; Autosomal recessive limb-girdle muscular dystrophy type 2J. Last evaluated: 2022-12-10. Review status: criteria provided, single submitter. Criteria: Invitae Variant Classification Sherloc (09022015). Collection method: clinical testing. Allele origin: germline.
Comment: This variant is located in the A band of TTN (PMID: 25589632). Variants in this region may be relevant for cardiac or neuromuscular disorders (PMID: 25589632, 23975875). In summary, the available evidence is currently insufficient to determine the role of this variant in disease. Therefore, it has been classified as a Variant of Uncertain Significance. This variant has not been reported in the literature in individuals affected with TTN-related conditions. This variant is not present in population databases (gnomAD no frequency). This sequence change replaces valine, which is neutral and non-polar, with isoleucine, which is neutral and non-polar, at codon 31768 of the TTN protein (p.Val31768Ile).

Literature cited by the submitters: PubMed 25589632 (cited by Labcorp Genetics (formerly Invitae), Labcorp); PubMed 23975875 (cited by Labcorp Genetics (formerly Invitae), Labcorp).